The following is an entry in ClinVar:

NM_001009944.3(PKD1):c.1430A>T (p.Glu477Val)

Gene: PKD1 (polycystin 1, transient receptor potential channel interacting; minus strand). Cytogenetic location: 16p13.3.
Variant type: single nucleotide variant.
Coding change: c.1430A>T on transcript NM_001009944.3 (MANE Select); coding-DNA position 1430, A replaced by T.
Protein change: p.Glu477Val; replaces glutamic acid 477 with valine.
Molecular consequence: missense variant.
Genome position (GRCh38, 1-based): chr16:2,117,009, T>A on the plus strand (A>T on the coding strand, the complement: PKD1 is on the minus strand). VCF-style: chr16-2117009-T-A. GRCh37 (hg19) VCF-style: chr16-2167010-T-A.
Other names: c.1430A>T, p.Glu477Val (NM_000296.4); short protein forms E477V.
Identifiers: ClinVar variation 3579760 (VCV003579760.2).

ClinVar aggregate classification (germline): Uncertain significance. Review status: criteria provided, multiple submitters, no conflicts (2 of 4 stars). 2 submissions from 2 submitters: Uncertain significance (2). Last evaluated 2026-03-26.

Conditions:
PKD1-related disorder. Also called: PKD1-related condition.
Polycystic kidney disease, adult type (PKD1). Also called: Polycystic Kidney Disease 1, Autosomal Dominant; Polycystic kidney disease 1; Polycystic kidney disease 1, severe; Polycystic Kidney, Autosomal Dominant; POLYCYSTIC KIDNEY DISEASE, ADULT, TYPE I; POLYCYSTIC KIDNEY DISEASE 1 WITH OR WITHOUT POLYCYSTIC LIVER DISEASE. Identifiers: MedGen C3149841, MONDO:0008263, OMIM 173900.

gnomAD v4.1: 15 of 1,586,532 alleles (0.00095%); highest among the groups gnomAD compares: African/African-American, 0.015%; no homozygotes.

Submissions (2):

PreventionGenetics, part of Exact Sciences
Classification: Uncertain significance for PKD1-related condition. Last evaluated: 2026-03-26. Review status: criteria provided, single submitter. Criteria: ACMG Guidelines, 2015. Collection method: clinical testing. Allele origin: germline.
Comment: The PKD1 c.1430A>T variant is predicted to result in the amino acid substitution p.Glu477Val. To our knowledge, this variant has not been reported in the literature. This variant is reported in 0.018% of alleles in individuals of African descent in gnomAD. Although we suspect that this variant may be benign, at this time, the clinical significance of this variant is uncertain due to the absence of conclusive functional and genetic evidence.

Fulgent Genetics
Classification: Uncertain significance for Polycystic kidney disease, adult type. Last evaluated: 2024-03-14. Review status: criteria provided, single submitter. Criteria: ACMG Guidelines, 2015. Collection method: clinical testing. Allele origin: germline.